The following is an entry in ClinVar:

NM_152564.5(VPS13B):c.121G>C (p.Glu41Gln)

Gene: VPS13B (vacuolar protein sorting 13 homolog B; plus strand). Cytogenetic location: 8q22.2.
Variant type: single nucleotide variant.
Coding change: c.121G>C on transcript NM_152564.5 (MANE Select); coding-DNA position 121, G replaced by C.
Protein change: p.Glu41Gln; replaces glutamic acid 41 with glutamine.
Molecular consequence: missense variant. On other transcripts: non-coding transcript variant (1).
Genome position (GRCh38, 1-based): chr8:99,013,909, G>C. VCF-style: chr8-99013909-G-C. GRCh37 (hg19) VCF-style: chr8-100026137-G-C.
Other names: c.121G>C, p.Glu41Gln (NM_015243.3, NM_017890.5, NM_181661.3); short protein forms E41Q.
Identifiers: ClinVar variation 1897621 (VCV001897621.5), dbSNP rs1841451348, ClinGen allele CA371856458.
Genomic context (GRCh38, chr8:99,013,909, plus strand): 5'-TTAAAGCCGTCGGATCTACAGCTTTCACTATGGGGTGGAGACGTGGTACTCAGCAAGCTC[G>C]AGTTAAAGTTGGATGTGCTGGAACAGGTAAGCTATTTAGCTGTCATTAACTGGAAACAGT-3'
Protein context (NP_689777.3, residues 31-51): WGGDVVLSKL[Glu41Gln]LKLDVLEQEL

ClinVar aggregate classification (germline): Uncertain significance (1 of 4 stars; one submission).

Conditions:
Cohen syndrome (COH1). Also called: PEPPER SYNDROME; Cutis verticis gyrata, retinitis pigmentosa, and sensorineural deafness. Identifiers: Orphanet 193, MedGen C0265223, MONDO:0008999, OMIM 216550.

Submission:

Labcorp Genetics (formerly Invitae), Labcorp
Classification: Uncertain significance for Cohen syndrome. Last evaluated: 2022-02-04. Review status: criteria provided, single submitter. Criteria: Invitae Variant Classification Sherloc (09022015). Collection method: clinical testing. Allele origin: germline.
Comment: This sequence change replaces glutamic acid, which is acidic and polar, with glutamine, which is neutral and polar, at codon 41 of the VPS13B protein (p.Glu41Gln). This variant is not present in population databases (gnomAD no frequency). This variant has not been reported in the literature in individuals affected with VPS13B-related conditions. Algorithms developed to predict the effect of missense changes on protein structure and function are either unavailable or do not agree on the potential impact of this missense change (SIFT: "Not Available"; PolyPhen-2: "Benign"; Align-GVGD: "Not Available"). In summary, the available evidence is currently insufficient to determine the role of this variant in disease. Therefore, it has been classified as a Variant of Uncertain Significance.